The following is an entry in ClinVar:

ClinVar aggregate classification (germline): Uncertain significance (1 of 4 stars; one submission).

Conditions:
Alstrom syndrome (ALMS). Identifiers: Orphanet 64, MedGen C0268425, MONDO:0008763, OMIM 203800.

Allele frequency attached by ClinVar (database versions not stated): TOPMed below 0.00001; gnomAD 0.00002.
gnomAD v4.1: 3 of 1,613,774 alleles (0.00019%); highest among the groups gnomAD compares: African/African-American, 0.004%; no homozygotes.

Submission:

Labcorp Genetics (formerly Invitae), Labcorp
Classification: Uncertain significance for Alstrom syndrome. Last evaluated: 2021-12-08. Review status: criteria provided, single submitter. Criteria: Invitae Variant Classification Sherloc (09022015). Collection method: clinical testing. Allele origin: germline.
Comment: This sequence change replaces glutamine, which is neutral and polar, with glutamic acid, which is acidic and polar, at codon 658 of the ALMS1 protein (p.Gln658Glu). This variant is present in population databases (no rsID available, gnomAD 0.01%). This variant has not been reported in the literature in individuals affected with ALMS1-related conditions. Experimental studies and prediction algorithms are not available or were not evaluated, and the functional significance of this variant is currently unknown. In summary, the available evidence is currently insufficient to determine the role of this variant in disease. Therefore, it has been classified as a Variant of Uncertain Significance.

NM_001378454.1(ALMS1):c.1969C>G (p.Gln657Glu)

Gene: ALMS1 (ALMS1 centrosome and basal body associated protein; plus strand). Cytogenetic location: 2p13.1.
Variant type: single nucleotide variant.
Coding change: c.1969C>G on transcript NM_001378454.1 (MANE Select); coding-DNA position 1969, C replaced by G.
Protein change: p.Gln657Glu; replaces glutamine 657 with glutamic acid.
Molecular consequence: missense variant.
Genome position (GRCh38, 1-based): chr2:73,448,496, C>G. VCF-style: chr2-73448496-C-G. GRCh37 (hg19) VCF-style: chr2-73675623-C-G.
Other names: c.1972C>G, p.Gln658Glu (NM_015120.4); short protein forms Q657E, Q658E.
Identifiers: ClinVar variation 1461724 (VCV001461724.3), dbSNP rs1371488235, ClinGen allele CA347266002.